The following is an entry in ClinVar:

ClinVar aggregate classification (germline): Uncertain significance. Review status: criteria provided, multiple submitters, no conflicts (2 of 4 stars). 5 submissions from 5 submitters: Uncertain significance (5). Last evaluated 2024-10-19.

Conditions:
Charcot-Marie-Tooth disease type 2. Also called: Charcot-Marie-Tooth type 2. Identifiers: Orphanet 64746, MedGen C0270914, MONDO:0018993.
Inborn genetic diseases. Identifiers: MedGen C0950123, MeSH D030342.

Allele frequency attached by ClinVar (database versions not stated): gnomAD 0.00001; gnomAD exomes 0.00001 and 0.00002.
gnomAD v4.1: 15 of 1,614,048 alleles (0.00093%); highest among the groups gnomAD compares: Non-Finnish European, 0.0013%; no homozygotes.

Submissions (5):

Labcorp Genetics (formerly Invitae), Labcorp
Classification: Uncertain significance for Charcot-Marie-Tooth disease type 2. Last evaluated: 2024-10-19. Review status: criteria provided, single submitter. Criteria: Invitae Variant Classification Sherloc (09022015). Collection method: clinical testing. Allele origin: germline.
Comment: This sequence change replaces methionine, which is neutral and non-polar, with threonine, which is neutral and polar, at codon 602 of the AARS protein (p.Met602Thr). This variant is present in population databases (no rsID available, gnomAD 0.002%). This variant has not been reported in the literature in individuals affected with AARS-related conditions. ClinVar contains an entry for this variant (Variation ID: 580953). Invitae Evidence Modeling of protein sequence and biophysical properties (such as structural, functional, and spatial information, amino acid conservation, physicochemical variation, residue mobility, and thermodynamic stability) has been performed for this missense variant. However, the output from this modeling did not meet the statistical confidence thresholds required to predict the impact of this variant on AARS protein function. In summary, the available evidence is currently insufficient to determine the role of this variant in disease. Therefore, it has been classified as a Variant of Uncertain Significance.

Women's Health and Genetics/Laboratory Corporation of America, LabCorp
Classification: Uncertain significance. Last evaluated: 2024-02-19. Review status: criteria provided, single submitter. Criteria: LabCorp Variant Classification Summary - May 2015. Collection method: clinical testing. Allele origin: germline.
Comment: Variant summary: AARS1 c.1805T>C (p.Met602Thr) results in a non-conservative amino acid change located in the Alanyl-tRNA synthetase, class IIc, core domain (IPR018165) of the encoded protein sequence. Three of five in-silico tools predict a damaging effect of the variant on protein function. The variant was absent in 251468 control chromosomes. The available data on variant occurrences in the general population are insufficient to allow any conclusion about variant significance. To our knowledge, no occurrence of c.1805T>C in individuals affected with Developmental And Epileptic Encephalopathy, 29 and no experimental evidence demonstrating its impact on protein function have been reported. ClinVar contains an entry for this variant (Variation ID: 580953). Based on the evidence outlined above, the variant was classified as uncertain significance.

Ambry Genetics
Classification: Uncertain significance for Inborn genetic diseases. Last evaluated: 2023-12-28. Review status: criteria provided, single submitter. Criteria: Ambry Variant Classification Scheme 2023. Collection method: clinical testing. Allele origin: germline.

Blueprint Genetics
Classification: Uncertain significance. Last evaluated: 2023-04-19. Review status: criteria provided, single submitter. Criteria: ACMG Guidelines, 2015. Collection method: clinical testing. Allele origin: germline.

GeneDx
Classification: Uncertain significance. Last evaluated: 2020-09-23. Review status: criteria provided, single submitter. Criteria: GeneDx Variant Classification Process June 2021. Collection method: clinical testing. Allele origin: germline. Affected: yes.
Comment: Not observed at a significant frequency in large population cohorts (Lek et al., 2016); In silico analysis supports that this missense variant has a deleterious effect on protein structure/function; Has not been previously published as pathogenic or benign to our knowledge

NM_001605.3(AARS1):c.1805T>C (p.Met602Thr)

Gene: AARS1 (alanyl-tRNA synthetase 1; minus strand). Cytogenetic location: 16q22.1.
Variant type: single nucleotide variant.
Coding change: c.1805T>C on transcript NM_001605.3 (MANE Select); coding-DNA position 1805, T replaced by C.
Protein change: p.Met602Thr; replaces methionine 602 with threonine.
Molecular consequence: missense variant.
Genome position (GRCh38, 1-based): chr16:70,259,167, A>G on the plus strand (T>C on the coding strand, the complement: AARS1 is on the minus strand). VCF-style: chr16-70259167-A-G. GRCh37 (hg19) VCF-style: chr16-70293070-A-G.
Other names: short protein forms M602T.
Identifiers: ClinVar variation 580953 (VCV000580953.18), dbSNP rs1319699374, ClinGen allele CA396558391.